The following is an entry in ClinVar:

NM_001041.4(SI):c.2894G>A (p.Gly965Asp)

Gene: SI (sucrase-isomaltase; minus strand). Cytogenetic location: 3q26.1.
Variant type: single nucleotide variant.
Coding change: c.2894G>A on transcript NM_001041.4 (MANE Select); coding-DNA position 2894, G replaced by A.
Protein change: p.Gly965Asp; replaces glycine 965 with aspartic acid.
Molecular consequence: missense variant.
Genome position (GRCh38, 1-based): chr3:165,023,775, C>T on the plus strand (G>A on the coding strand, the complement: SI is on the minus strand). VCF-style: chr3-165023775-C-T. GRCh37 (hg19) VCF-style: chr3-164741563-C-T.
Other names: short protein forms G965D.
Identifiers: ClinVar variation 1425714 (VCV001425714.7), dbSNP rs144419320, ClinGen allele CA2690439.

ClinVar aggregate classification (germline): Uncertain significance. Review status: criteria provided, multiple submitters, no conflicts (2 of 4 stars). 2 submissions from 2 submitters: Uncertain significance (2). Last evaluated 2022-10-05.

Conditions:
Sucrase-isomaltase deficiency (CSID). Also called: Deficiency of isomaltase; SI DEFICIENCY; Congenital sucrose isomaltose malabsorption; Sucrose isomaltose enzyme deficiency. Identifiers: Orphanet 35122, MedGen C1283620, MONDO:0009114, OMIM 222900.

Allele frequency attached by ClinVar (database versions not stated): gnomAD 0.00001; TOPMed 0.00001; gnomAD exomes 0.00003 and 0.00005; ExAC 0.00007; ESP Exome Variant Server 0.00008; 1000 Genomes Project 30x 0.00016; 1000 Genomes Project 0.00020.
gnomAD v4.1: 41 of 1,606,828 alleles (0.0026%); highest among the groups gnomAD compares: South Asian, 0.036%; 1 homozygote.

Submissions (2):

Labcorp Genetics (formerly Invitae), Labcorp
Classification: Uncertain significance. Last evaluated: 2022-10-05. Review status: criteria provided, single submitter. Criteria: Invitae Variant Classification Sherloc (09022015). Collection method: clinical testing. Allele origin: germline.
Comment: This variant has not been reported in the literature in individuals affected with SI-related conditions. This variant is present in population databases (rs144419320, gnomAD 0.04%), including at least one homozygous and/or hemizygous individual. This sequence change replaces glycine, which is neutral and non-polar, with aspartic acid, which is acidic and polar, at codon 965 of the SI protein (p.Gly965Asp). ClinVar contains an entry for this variant (Variation ID: 1425714). Algorithms developed to predict the effect of missense changes on protein structure and function output the following: SIFT: "Tolerated"; PolyPhen-2: "Benign"; Align-GVGD: "Class C0". The aspartic acid amino acid residue is found in multiple mammalian species, which suggests that this missense change does not adversely affect protein function. In summary, the available evidence is currently insufficient to determine the role of this variant in disease. Therefore, it has been classified as a Variant of Uncertain Significance.

Fulgent Genetics
Classification: Uncertain significance for Sucrase-isomaltase deficiency. Last evaluated: 2021-12-08. Review status: criteria provided, single submitter. Criteria: ACMG Guidelines, 2015. Collection method: clinical testing. Allele origin: unknown.